The following is an entry in ClinVar:

NM_001457.4(FLNB):c.3754A>C (p.Thr1252Pro)

Gene: FLNB (filamin B; plus strand). Cytogenetic location: 3p14.3.
Variant type: single nucleotide variant.
Coding change: c.3754A>C on transcript NM_001457.4 (MANE Select); coding-DNA position 3754, A replaced by C.
Protein change: p.Thr1252Pro; replaces threonine 1252 with proline.
Molecular consequence: missense variant.
Genome position (GRCh38, 1-based): chr3:58,124,361, A>C. VCF-style: chr3-58124361-A-C. GRCh37 (hg19) VCF-style: chr3-58110088-A-C.
Other names: c.3754A>C, p.Thr1252Pro (NM_001164317.2, NM_001164318.2, NM_001164319.2); short protein forms T1252P.
Identifiers: ClinVar variation 3635723 (VCV003635723.2).

ClinVar aggregate classification (germline): Uncertain significance (1 of 4 stars; one submission).

Submission:

Labcorp Genetics (formerly Invitae), Labcorp
Classification: Uncertain significance. Last evaluated: 2024-07-23. Review status: criteria provided, single submitter. Criteria: Invitae Variant Classification Sherloc (09022015). Collection method: clinical testing. Allele origin: germline.
Comment: This sequence change replaces threonine, which is neutral and polar, with proline, which is neutral and non-polar, at codon 1252 of the FLNB protein (p.Thr1252Pro). This variant is not present in population databases (gnomAD no frequency). This variant has not been reported in the literature in individuals affected with FLNB-related conditions. Advanced modeling of protein sequence and biophysical properties (such as structural, functional, and spatial information, amino acid conservation, physicochemical variation, residue mobility, and thermodynamic stability) performed at Invitae indicates that this missense variant is not expected to disrupt FLNB protein function with a negative predictive value of 95%. In summary, the available evidence is currently insufficient to determine the role of this variant in disease. Therefore, it has been classified as a Variant of Uncertain Significance.